The following is an entry in ClinVar:

NM_000213.5(ITGB4):c.5275G>A (p.Glu1759Lys)

Genes: GALK1 (galactokinase 1; minus strand), ITGB4 (integrin subunit beta 4; plus strand). Cytogenetic location: 17q25.1.
Variant type: single nucleotide variant.
Coding change: c.5275G>A on transcript NM_000213.5 (MANE Select); coding-DNA position 5275, G replaced by A.
Protein change: p.Glu1759Lys; replaces glutamic acid 1759 with lysine.
Molecular consequence: missense variant. On other transcripts: intron variant (1).
Genome position (GRCh38, 1-based): chr17:75,757,256, G>A. VCF-style: chr17-75757256-G-A. GRCh37 (hg19) VCF-style: chr17-73753337-G-A.
Other names: c.5224G>A, p.Glu1742Lys (NM_001005619.2); c.5065G>A, p.Glu1689Lys (NM_001005731.3, NM_001321123.2); c.4915G>A, p.Glu1639Lys (NM_001438834.1); c.*22+778C>T (NM_001381985.1); short protein forms E1689K, E1742K, E1759K, E1639K.
Identifiers: ClinVar variation 2634570 (VCV002634570.3), dbSNP rs141944501, ClinGen allele CA8770540.

ClinVar aggregate classification (germline): Uncertain significance. Review status: criteria provided, multiple submitters, no conflicts (2 of 4 stars). 2 submissions from 2 submitters: Uncertain significance (2). Last evaluated 2025-12-26.

Conditions:
ITGB4-related disorder. Also called: ITGB4-related condition.
Junctional epidermolysis bullosa with pyloric atresia. Also called: APLASIA CUTIS CONGENITA WITH GASTROINTESTINAL ATRESIA; CARMI SYNDROME; EB-PA-ACC; ITGB4-Related Epidermolysis Bullosa with Pyloric Atresia; Epidermolysis bullosa, junctional, with pyloric atresia and aplasia cutis congenita; Epidermolysis bullosa junctionalis with pyloric atresia. Identifiers: Orphanet 79403, MedGen C5676875, MONDO:0009183, OMIM 226730.
Epidermolysis bullosa, junctional 5A, intermediate. Also called: EPIDERMOLYSIS BULLOSA, JUNCTIONAL 5A, GENERALIZED INTERMEDIATE; EPIDERMOLYSIS BULLOSA, JUNCTIONAL 5A, NON-HERLITZ TYPE. Identifiers: MedGen C5676956, MONDO:0030768, OMIM 619816.

Allele frequency attached by ClinVar (database versions not stated): ExAC 0.00004; ESP Exome Variant Server 0.00008.
gnomAD v4.1: 35 of 1,611,710 alleles (0.0022%); highest among the groups gnomAD compares: Admixed American, 0.012%; no homozygotes.

Submissions (2):

PreventionGenetics, part of Exact Sciences
Classification: Uncertain significance for ITGB4-related condition. Last evaluated: 2025-12-26. Review status: criteria provided, single submitter. Criteria: ACMG Guidelines, 2015. Collection method: clinical testing. Allele origin: germline.
Comment: The ITGB4 c.5275G>A variant is predicted to result in the amino acid substitution p.Glu1759Lys. To our knowledge, this variant has not been reported in the literature. This variant is reported in 0.020% of alleles in individuals of Latino descent in gnomAD. At this time, the clinical significance of this variant is uncertain due to the absence of conclusive functional and genetic evidence.

Fulgent Genetics
Classification: Uncertain significance for Junctional epidermolysis bullosa with pyloric atresia; Epidermolysis bullosa, junctional 5A, intermediate. Last evaluated: 2024-06-03. Review status: criteria provided, single submitter. Criteria: ACMG Guidelines, 2015. Collection method: clinical testing. Allele origin: germline.